The following is an entry in ClinVar:

ClinVar aggregate classification (germline): Uncertain significance (1 of 4 stars; one submission).

Submission:

ISCA site 4
Classification: Uncertain significance. Last evaluated: 2011-08-12. Review status: criteria provided, single submitter. Criteria: Kaminsky et al. (Genet Med. 2011). Collection method: clinical testing. Allele origin: unknown. Affected: yes. Observed: 1 variant allele.
Comment: Copy number variation identified through the course of routine clinical cytogenomic testing in postnatal populations. Clinical assertions have been curated as described in Kaminsky et al. 2011.

GRCh38/hg38 5p14.3(chr5:21540110-22245962)x1

Genes: CDH12 (cadherin 12; minus strand), SNORA105A (small nucleolar RNA, H/ACA box 105A; plus strand), LOC123493277 (Sharpr-MPRA regulatory region 8629; plus strand), LOC126807332 (BRD4-independent group 4 enhancer GRCh37_chr5:21823845-21825044; plus strand), LOC129389260 (MPRA-validated peak5184 silencer; plus strand). Cytogenetic location: 5p14.3.
Variant type: copy number loss.
Change: copy number 1 (one copy instead of two) of chr5:21,540,110-22,245,962 (705.9 kb, GRCh38 coordinates, 1-based), cytogenetic band 5p14.3.
Identifiers: ClinVar variation 57062 (VCV000057062.1).